The following is an entry in ClinVar:

NM_002834.5(PTPN11):c.*3381A>G

Gene: PTPN11 (protein tyrosine phosphatase non-receptor type 11; plus strand). Cytogenetic location: 12q24.13.
Variant type: single nucleotide variant.
Coding change: c.*3381A>G on transcript NM_002834.5 (MANE Select); 3381 bases downstream of the stop codon, A replaced by G.
Molecular consequence: 3 prime UTR variant.
Genome position (GRCh38, 1-based): chr12:112,509,173, A>G. VCF-style: chr12-112509173-A-G. GRCh37 (hg19) VCF-style: chr12-112946977-A-G.
Other names: c.*3381A>G (NM_001330437.2, NM_001374625.1).
Identifiers: ClinVar variation 307263 (VCV000307263.5), dbSNP rs374962107, ClinGen allele CA10640981.

ClinVar aggregate classification (germline): Benign/Likely benign. Review status: criteria provided, single submitter (1 of 4 stars). 3 submissions from 1 submitter: Benign (2); Likely benign (1). Last evaluated 2018-01-13.

Conditions:
LEOPARD syndrome 1 (LPRD1). Also called: LENTIGINOSIS, CARDIOMYOPATHIC; MULTIPLE LENTIGINES SYNDROME; PTPN11-Related LEOPARD Syndrome. Identifiers: Orphanet 500, MedGen C4551484, MONDO:0100082, OMIM 151100.
Metachondromatosis (METCDS). Identifiers: Orphanet 2499, MedGen C0410530, MONDO:0007979, OMIM 156250.
Noonan syndrome 1 (NS1). Also called: TURNER PHENOTYPE WITH NORMAL KARYOTYPE; PTPN11-Related Noonan Syndrome; FEMALE PSEUDO-TURNER SYNDROME. Identifiers: Orphanet 648, MedGen C4551602, MONDO:0008104, OMIM 163950. Disease mechanism: gain of function.

Allele frequency attached by ClinVar (database versions not stated): gnomAD 0.00003 and 0.00026; TOPMed 0.00005; 1000 Genomes Project 0.00180; 1000 Genomes Project 30x 0.00187.

Submissions (3):

Illumina Laboratory Services, Illumina
Classification: Likely benign for Noonan syndrome 1. Last evaluated: 2018-01-13. Review status: criteria provided, single submitter. Criteria: ICSL Variant Classification Criteria 13 December 2019. Collection method: clinical testing. Allele origin: germline.
Comment: This variant was observed in the ICSL laboratory as part of a predisposition screen in an ostensibly healthy population. It had not been previously curated by ICSL or reported in the Human Gene Mutation Database (HGMD: prior to June 1st, 2018), and was therefore a candidate for classification through an automated scoring system. Utilizing variant allele frequency, disease prevalence and penetrance estimates, and inheritance mode, an automated score was calculated to assess if this variant is too frequent to cause the disease. Based on the score and internal cut-off values, a variant classified as likely benign is not then subjected to further curation. The score for this variant resulted in a classification of likely benign for this disease.

Illumina Laboratory Services, Illumina
Classification: Benign for LEOPARD syndrome 1. Last evaluated: 2018-01-13. Review status: criteria provided, single submitter. Criteria: ICSL Variant Classification Criteria 13 December 2019. Collection method: clinical testing. Allele origin: germline.
Comment: This variant was observed in the ICSL laboratory as part of a predisposition screen in an ostensibly healthy population. It had not been previously curated by ICSL or reported in the Human Gene Mutation Database (HGMD: prior to June 1st, 2018), and was therefore a candidate for classification through an automated scoring system. Utilizing variant allele frequency, disease prevalence and penetrance estimates, and inheritance mode, an automated score was calculated to assess if this variant is too frequent to cause the disease. Based on the score and internal cut-off values, a variant classified as benign is not then subjected to further curation. The score for this variant resulted in a classification of benign for this disease.

Illumina Laboratory Services, Illumina
Classification: Benign for Metachondromatosis. Last evaluated: 2018-01-13. Review status: criteria provided, single submitter. Criteria: ICSL Variant Classification Criteria 13 December 2019. Collection method: clinical testing. Allele origin: germline.
Comment: the same text as in the submission from Illumina Laboratory Services, Illumina above.